The following is an entry in ClinVar:

ClinVar aggregate classification (germline): Uncertain significance (1 of 4 stars; one submission).

gnomAD v4.1: 2 of 1,613,590 alleles (0.00012%); highest among the groups gnomAD compares: African/African-American, 0.0013%; no homozygotes.

Submission:

Labcorp Genetics (formerly Invitae), Labcorp
Classification: Uncertain significance. Last evaluated: 2025-05-01. Review status: criteria provided, single submitter. Criteria: Invitae Variant Classification Sherloc (09022015). Collection method: clinical testing. Allele origin: germline.
Comment: This sequence change replaces alanine, which is neutral and non-polar, with threonine, which is neutral and polar, at codon 68 of the ZNF408 protein (p.Ala68Thr). This variant is not present in population databases (gnomAD no frequency). This variant has not been reported in the literature in individuals affected with ZNF408-related conditions. An algorithm developed to predict the effect of missense changes on protein structure and function outputs the following: PolyPhen-2: "Benign". The threonine amino acid residue is found in multiple mammalian species, which suggests that this missense change does not adversely affect protein function. In summary, the available evidence is currently insufficient to determine the role of this variant in disease. Therefore, it has been classified as a Variant of Uncertain Significance.

NM_024741.3(ZNF408):c.202G>A (p.Ala68Thr)

Gene: ZNF408 (zinc finger protein 408; plus strand). Cytogenetic location: 11p11.2.
Variant type: single nucleotide variant.
Coding change: c.202G>A on transcript NM_024741.3 (MANE Select); coding-DNA position 202, G replaced by A.
Protein change: p.Ala68Thr; replaces alanine 68 with threonine.
Molecular consequence: missense variant.
Genome position (GRCh38, 1-based): chr11:46,701,548, G>A. VCF-style: chr11-46701548-G-A. GRCh37 (hg19) VCF-style: chr11-46723098-G-A.
Other names: c.178G>A, p.Ala60Thr (NM_001184751.2); short protein forms A60T, A68T.
Identifiers: ClinVar variation 4698448 (VCV004698448.1).